The following is an entry in ClinVar:

ClinVar aggregate classification (germline): Pathogenic (1 of 4 stars; one submission).

Submission:

GeneDx
Classification: Pathogenic. Last evaluated: 2024-08-10. Review status: criteria provided, single submitter. Criteria: GeneDx Variant Classification Process June 2021. Collection method: clinical testing. Allele origin: germline. Affected: yes.
Comment: Frameshift variant predicted to result in protein truncation or nonsense mediated decay in a gene for which loss of function is a known mechanism of disease; Not observed at significant frequency in large population cohorts (gnomAD); Has not been previously published as pathogenic or benign to our knowledge

NM_001257293.2(HNRNPH1):c.224_227del (p.Arg75fs)

Genes: HNRNPH1 (heterogeneous nuclear ribonucleoprotein H1; minus strand), LOC128966623 (uncharacterized LOC128966623; plus strand). Cytogenetic location: 5q35.3.
Variant type: Deletion.
Coding change: c.224_227del on transcript NM_001257293.2 (MANE Select); coding-DNA positions 224 to 227, 4 bases deleted (GAGA; older notation c.224_227delGAGA).
Protein change: p.Arg75fs; shifts the reading frame from arginine 75.
Molecular consequence: frameshift variant. On other transcripts: 5 prime UTR variant (8), intron variant (1).
Genome position (GRCh38, 1-based): chr5:179,621,268-179,621,271, TCTC deleted on the plus strand (GAGA on the coding strand, the reverse complement: HNRNPH1 is on the minus strand); deleting any 4 consecutive bases within chr5:179,621,268-179,621,272 gives the same sequence; the c. name uses the placement nearest the transcript's 3' end. VCF-style (leftmost placement, unchanged base first): chr5-179621267-TTCTC-T. GRCh37 (hg19) VCF-style: chr5-179048268-TTCTC-T.
Other names: c.224_227del, p.Arg75fs (NM_001363572.2, NM_001364225.2, NM_001364226.2 and 39 more transcripts); c.-241_-238del (NM_001364251.2, NM_001364252.2, NM_001364253.2 and 4 more transcripts); c.-8_-5del (NM_001395190.1); c.98-236_98-233del (NM_001364250.2); short protein forms R75fs.
Identifiers: ClinVar variation 3602979 (VCV003602979.1).